The following is an entry in ClinVar:

NM_004304.5(ALK):c.2470G>T (p.Ala824Ser)

Gene: ALK (ALK receptor tyrosine kinase; minus strand). Cytogenetic location: 2p23.2.
Variant type: single nucleotide variant.
Coding change: c.2470G>T on transcript NM_004304.5 (MANE Select); coding-DNA position 2470, G replaced by T.
Protein change: p.Ala824Ser; replaces alanine 824 with serine.
Molecular consequence: missense variant.
Genome position (GRCh38, 1-based): chr2:29,233,582, C>A on the plus strand (G>T on the coding strand, the complement: ALK is on the minus strand). VCF-style: chr2-29233582-C-A. GRCh37 (hg19) VCF-style: chr2-29456448-C-A.
Other names: short protein forms A824S.
Identifiers: ClinVar variation 538191 (VCV000538191.8), dbSNP rs571958914, ClinGen allele CA346472120.
Genomic context (GRCh38, chr2:29,233,582, plus strand): 5'-GATGCACAGGAACCTGGTGGAAATCTGGCAGCACACACCATACCTTAAATACGTAGGTGG[C>A]TCCACCCCCTCCTCCTCCGCCTCCTGCCCACTCATGCACGCTTCTGTTCACACGGATTTC-3'
Protein context (NP_004295.2, residues 814-834): WAGGGGGGGG[Ala824Ser]TYVFKMKDGV

ClinVar aggregate classification (germline): Uncertain significance. Review status: criteria provided, multiple submitters, no conflicts (2 of 4 stars). 2 submissions from 2 submitters: Uncertain significance (2). Last evaluated 2024-09-10.

Conditions:
Hereditary cancer-predisposing syndrome. Also called: Neoplastic Syndromes, Hereditary; Tumor predisposition; Hereditary Cancer Syndrome; Hereditary neoplastic syndrome. Identifiers: Orphanet 140162, MedGen C0027672, MeSH D009386, MONDO:0015356.
Neuroblastoma, susceptibility to, 3. Also called: ALK-Related Neuroblastic Tumor Susceptibility. Identifiers: Orphanet 635, MedGen C2751681, MONDO:0013083, OMIM 613014.

Allele frequency attached by ClinVar (database versions not stated): TOPMed 0.00002.

Submissions (2):

Labcorp Genetics (formerly Invitae), Labcorp
Classification: Uncertain significance for Neuroblastoma, susceptibility to, 3. Last evaluated: 2024-09-10. Review status: criteria provided, single submitter. Criteria: Invitae Variant Classification Sherloc (09022015). Collection method: clinical testing. Allele origin: germline.
Comment: This sequence change replaces alanine, which is neutral and non-polar, with serine, which is neutral and polar, at codon 824 of the ALK protein (p.Ala824Ser). This variant is not present in population databases (gnomAD no frequency). This variant has not been reported in the literature in individuals affected with ALK-related conditions. ClinVar contains an entry for this variant (Variation ID: 538191). An algorithm developed to predict the effect of missense changes on protein structure and function (PolyPhen-2) suggests that this variant is likely to be disruptive. In summary, the available evidence is currently insufficient to determine the role of this variant in disease. Therefore, it has been classified as a Variant of Uncertain Significance.

Ambry Genetics
Classification: Uncertain significance for Hereditary cancer-predisposing syndrome. Last evaluated: 2023-01-15. Review status: criteria provided, single submitter. Criteria: Ambry Variant Classification Scheme 2023. Collection method: clinical testing. Allele origin: germline.
Comment: The p.A824S variant (also known as c.2470G>T), located in coding exon 14 of the ALK gene, results from a G to T substitution at nucleotide position 2470. The alanine at codon 824 is replaced by serine, an amino acid with similar properties. This amino acid position is conserved. In addition, this alteration is predicted to be tolerated by in silico analysis. Since supporting evidence is limited at this time, the clinical significance of this alteration remains unclear.